The following is an entry in ClinVar:

NM_152296.5(ATP1A3):c.1696G>A (p.Val566Met)

Gene: ATP1A3 (ATPase Na+/K+ transporting subunit alpha 3; minus strand). Cytogenetic location: 19q13.2.
Variant type: single nucleotide variant.
Coding change: c.1696G>A on transcript NM_152296.5 (MANE Select); coding-DNA position 1696, G replaced by A.
Protein change: p.Val566Met; replaces valine 566 with methionine.
Molecular consequence: missense variant.
Genome position (GRCh38, 1-based): chr19:41,978,261, C>T on the plus strand (G>A on the coding strand, the complement: ATP1A3 is on the minus strand). VCF-style: chr19-41978261-C-T. GRCh37 (hg19) VCF-style: chr19-42482413-C-T.
Other names: c.1729G>A, p.Val577Met (NM_001256213.2); c.1735G>A, p.Val579Met (NM_001256214.2); short protein forms V566M, V577M, V579M.
Identifiers: ClinVar variation 1306881 (VCV001306881.2), dbSNP rs1408417003, ClinGen allele CA406045832.

ClinVar aggregate classification (germline): Uncertain significance (1 of 4 stars; one submission).

Allele frequency attached by ClinVar (database versions not stated): gnomAD exomes below 0.00001; gnomAD 0.00001 and 0.00002.
gnomAD v4.1: 7 of 1,613,548 alleles (0.00043%); highest among the groups gnomAD compares: East Asian, 0.0022%; no homozygotes.

Submission:

GeneDx
Classification: Uncertain significance. Last evaluated: 2019-07-23. Review status: criteria provided, single submitter. Criteria: GeneDx Variant Classification Process June 2021. Collection method: clinical testing. Allele origin: germline. Affected: yes.
Comment: In silico analysis, which includes protein predictors and evolutionary conservation, supports that this variant does not alter protein structure/function; Has not been previously published as pathogenic or benign to our knowledge